The following is an entry in ClinVar:

NM_001130823.3(DNMT1):c.3362G>T (p.Ser1121Ile)

Gene: DNMT1 (DNA methyltransferase 1; minus strand). Cytogenetic location: 19p13.2.
Variant type: single nucleotide variant.
Coding change: c.3362G>T on transcript NM_001130823.3 (MANE Select); coding-DNA position 3362, G replaced by T.
Protein change: p.Ser1121Ile; replaces serine 1121 with isoleucine.
Molecular consequence: missense variant.
Genome position (GRCh38, 1-based): chr19:10,141,137, C>A on the plus strand (G>T on the coding strand, the complement: DNMT1 is on the minus strand). VCF-style: chr19-10141137-C-A. GRCh37 (hg19) VCF-style: chr19-10251813-C-A.
Other names: c.3362G>T (LRG_362t1); c.3314G>T, p.Ser1105Ile (NM_001318730.2, NM_001379.4); c.2999G>T, p.Ser1000Ile (NM_001318731.2); short protein forms S1121I, S1000I, S1105I.
Identifiers: ClinVar variation 599001 (VCV000599001.6), dbSNP rs1202584286, ClinGen allele CA403974218.

ClinVar aggregate classification (germline): Uncertain significance. Review status: criteria provided, multiple submitters, no conflicts (2 of 4 stars). 3 submissions from 3 submitters: Uncertain significance (3). Last evaluated 2025-10-31.

Conditions:
Hereditary sensory neuropathy-deafness-dementia syndrome. Also called: Hereditary sensory neuropathy type IE; NEUROPATHY, HEREDITARY SENSORY, WITH HEARING LOSS AND DEMENTIA; Hereditary Sensory and Autonomic Neuropathy Type 1E (HSAN1E); HSN IE. Identifiers: Orphanet 456318, MedGen C3279885, MONDO:0013584, OMIM 614116.

Allele frequency attached by ClinVar (database versions not stated): gnomAD 0.00002; TOPMed 0.00002.
gnomAD v4.1: 3 of 1,613,924 alleles (0.00019%); highest among the groups gnomAD compares: Admixed American, 0.0033%; no homozygotes.

Submissions (3):

Labcorp Genetics (formerly Invitae), Labcorp
Classification: Uncertain significance for Hereditary sensory neuropathy-deafness-dementia syndrome. Last evaluated: 2025-10-31. Review status: criteria provided, single submitter. Criteria: Invitae Variant Classification Sherloc (09022015). Collection method: clinical testing. Allele origin: germline.
Comment: This sequence change replaces serine, which is neutral and polar, with isoleucine, which is neutral and non-polar, at codon 1121 of the DNMT1 protein (p.Ser1121Ile). This variant is not present in population databases (gnomAD no frequency). This missense change has been observed in individual(s) with DNMT1-related conditions (PMID: 30755392). ClinVar contains an entry for this variant (Variation ID: 599001). Invitae Evidence Modeling of protein sequence and biophysical properties (such as structural, functional, and spatial information, amino acid conservation, physicochemical variation, residue mobility, and thermodynamic stability) indicates that this missense variant is not expected to disrupt DNMT1 protein function with a negative predictive value of 80%. In summary, the available evidence is currently insufficient to determine the role of this variant in disease. Therefore, it has been classified as a Variant of Uncertain Significance.

Women's Health and Genetics/Laboratory Corporation of America, LabCorp
Classification: Uncertain significance. Last evaluated: 2025-09-16. Review status: criteria provided, single submitter. Criteria: LabCorp Variant Classification Summary - May 2015. Collection method: clinical testing. Allele origin: germline.
Comment: Variant summary: DNMT1 c.3362G>T (p.Ser1121Ile) results in a non-conservative amino acid change in the encoded protein sequence. Algorithms developed to predict the effect of missense changes on protein structure and function are either unavailable or do not agree on the potential impact of this missense change. The variant was absent in 251330 control chromosomes (gnomAD). The available data on variant occurrences in the general population are insufficient to allow any conclusion about variant significance. c.3362G>T has been observed in one individual affected with clinical features of DNMT1-related disorders (Ji_2019). The report does not provide unequivocal conclusions about association of the variant with Autosomal dominant cerebellar ataxia, deafness and narcolepsy. To our knowledge, no experimental evidence demonstrating an impact on protein function has been reported. The following publication have been ascertained in the context of this evaluation (PMID: 30755392). ClinVar contains an entry for this variant (Variation ID: 599001). Based on the evidence outlined above, the variant was classified as uncertain significance.

Center for Personalized Medicine, Children's Hospital Los Angeles
Classification: Uncertain significance. Last evaluated: 2018-11-19. Review status: criteria provided, single submitter. Criteria: ACMG Guidelines, 2015. Collection method: clinical testing. Allele origin: germline. Affected: yes.

Literature cited by the submitters: PubMed 30755392 (cited by Labcorp Genetics (formerly Invitae), Labcorp and Women's Health and Genetics/Laboratory Corporation of America, LabCorp).